The following is an entry in ClinVar:

ClinVar aggregate classification (germline): Pathogenic/Likely pathogenic. Review status: criteria provided, multiple submitters, no conflicts (2 of 4 stars). 4 submissions from 4 submitters: Pathogenic (3); Likely pathogenic (1). Last evaluated 2025-06-10.

Conditions:
Cardiovascular phenotype. Identifiers: MedGen CN230736.
Cardiomyopathy (CMYO). Also called: Cardiomyopathies. Identifiers: Orphanet 167848, MedGen C0878544, MONDO:0004994, HP:0001638. Inheritance: Various modes of inheritance.

Allele frequency attached by ClinVar (database versions not stated): gnomAD 0.00001; TOPMed 0.00002; ESP Exome Variant Server 0.00008.
gnomAD v4.1: 2 of 1,614,014 alleles (0.00012%); highest among the groups gnomAD compares: African/African-American, 0.0027%; no homozygotes.

Submissions (4):

Labcorp Genetics (formerly Invitae), Labcorp
Classification: Pathogenic. Last evaluated: 2025-06-10. Review status: criteria provided, single submitter. Criteria: Invitae Variant Classification Sherloc (09022015). Collection method: clinical testing. Allele origin: germline.
Comment: This sequence change creates a premature translational stop signal (p.Glu481*) in the ALPK3 gene. It is expected to result in an absent or disrupted protein product. Loss-of-function variants in ALPK3 are known to be pathogenic (PMID: 21441111, 26846950, 27106955, 34263907). This variant is not present in population databases (gnomAD no frequency). This variant has not been reported in the literature in individuals affected with ALPK3-related conditions. ClinVar contains an entry for this variant (Variation ID: 390303). For these reasons, this variant has been classified as Pathogenic.

Women's Health and Genetics/Laboratory Corporation of America, LabCorp
Classification: Pathogenic for Cardiomyopathy. Last evaluated: 2025-04-25. Review status: criteria provided, single submitter. Criteria: LabCorp Variant Classification Summary - May 2015. Collection method: clinical testing. Allele origin: germline.
Comment: Variant summary: ALPK3 c.835G>T (p.Glu279X) results in a premature termination codon, predicted to cause a truncation of the encoded protein or absence of the protein due to nonsense mediated decay, which are commonly known mechanisms for disease. The variant was absent in 251406 control chromosomes. To our knowledge, no occurrence of c.835G>T in individuals affected with Cardiomyopathy and no experimental evidence demonstrating its impact on protein function have been reported. ClinVar contains an entry for this variant (Variation ID: 390303). Based on the evidence outlined above, the variant was classified as pathogenic.

Ambry Genetics
Classification: Pathogenic for Cardiovascular phenotype. Last evaluated: 2022-01-25. Review status: criteria provided, single submitter. Criteria: Ambry Variant Classification Scheme 2023. Collection method: clinical testing. Allele origin: germline.
Comment: The p.E481* pathogenic mutation (also known as c.1441G>T), located in coding exon 5 of the ALPK3 gene, results from a G to T substitution at nucleotide position 1441. This changes the amino acid from a glutamic acid to a stop codon within coding exon 5. This alteration is expected to result in loss of function by premature protein truncation or nonsense-mediated mRNA decay. As such, this alteration is interpreted as a disease-causing mutation.

GeneDx
Classification: Likely pathogenic. Last evaluated: 2016-10-28. Review status: criteria provided, single submitter. Criteria: GeneDx Variant Classification (06012015). Collection method: clinical testing. Allele origin: germline. Affected: yes.
Comment: The variant in the ALPK3 gene has not been reported as a pathogenic variant or as a benign variant to our knowledge. This variant was not observed at a significant frequency in approximately 6,500 individuals of European and African American ancestry in the NHLBI Exome Sequencing Project, indicating it is not a common benign variant in these populations. E481X is predicted to cause loss of normal protein function either by protein truncation or nonsense-mediated mRNA decay. However, to our knowledge no studies have been performed to determine the functional effect of the E481X variant. Furthermore, only two nonsense variants in the ALPK3 gene have been reported in HGMD in association with cardiomyopathy (Stenson et al., 2014).Therefore, this variant is likely pathogenic. In order to definitively determine its clinical significance, additional data is required.

Literature cited by the submitters: PubMed 21441111 (cited by Labcorp Genetics (formerly Invitae), Labcorp); PubMed 26846950 (cited by Labcorp Genetics (formerly Invitae), Labcorp); PubMed 27106955 (cited by Labcorp Genetics (formerly Invitae), Labcorp); PubMed 34263907 (cited by Labcorp Genetics (formerly Invitae), Labcorp).

NM_020778.5(ALPK3):c.835G>T (p.Glu279Ter)

Gene: ALPK3 (alpha kinase 3; plus strand). Cytogenetic location: 15q25.3.
Variant type: single nucleotide variant.
Coding change: c.835G>T on transcript NM_020778.5 (MANE Select); coding-DNA position 835, G replaced by T.
Protein change: p.Glu279Ter; replaces glutamic acid 279 with a stop codon.
Molecular consequence: nonsense.
Genome position (GRCh38, 1-based): chr15:84,840,114, G>T. VCF-style: chr15-84840114-G-T. GRCh37 (hg19) VCF-style: chr15-85383345-G-T.
Other names: short protein forms E481*, E279*.
Identifiers: ClinVar variation 390303 (VCV000390303.11), dbSNP rs370072439, ClinGen allele CA16606804.